The following is an entry in ClinVar:

ClinVar aggregate classification (germline): Uncertain significance (1 of 4 stars; one submission).

Conditions:
FG syndrome (FGS). Identifiers: MedGen C0220769, MONDO:0002010.

Submission:

Labcorp Genetics (formerly Invitae), Labcorp
Classification: Uncertain significance for FG syndrome. Last evaluated: 2025-04-17. Review status: criteria provided, single submitter. Criteria: Invitae Variant Classification Sherloc (09022015). Collection method: clinical testing. Allele origin: germline.
Comment: This variant, c.1111_1113del, results in the deletion of 1 amino acid(s) of the MED12 protein (p.Leu371del), but otherwise preserves the integrity of the reading frame. This variant is not present in population databases (gnomAD no frequency). This variant has not been reported in the literature in individuals affected with MED12-related conditions. Experimental studies and prediction algorithms are not available or were not evaluated, and the functional significance of this variant is currently unknown. In summary, the available evidence is currently insufficient to determine the role of this variant in disease. Therefore, it has been classified as a Variant of Uncertain Significance.

NM_005120.3(MED12):c.1111_1113del (p.Leu371del)

Gene: MED12 (mediator complex subunit 12; plus strand). Cytogenetic location: Xq13.1.
Variant type: Deletion.
Coding change: c.1111_1113del on transcript NM_005120.3 (MANE Select); coding-DNA positions 1111 to 1113, 3 bases deleted (CTG; older notation c.1111_1113delCTG).
Protein change: p.Leu371del; deletes leucine 371.
Molecular consequence: inframe deletion.
Genome position (GRCh38, 1-based): chrX:71,122,209-71,122,211, CTG deleted. VCF-style (leftmost placement, unchanged base first): chrX-71122208-CCTG-C. GRCh37 (hg19) VCF-style: chrX-70342058-CCTG-C.
Other names: short protein forms L371del.
Identifiers: ClinVar variation 4717080 (VCV004717080.1).
Genomic context (GRCh38, chrX:71,122,208, plus strand): 5'-CAGAGGGGTAACCATGGTGAATGAGTTGGACTTAGCTGTTTCTATCTGGTAGACCATCCT[CCTG>C]TGCTGTCCTAGTGCCTTGGTTTGGCACTACTCACTGACTGATAGCAGAATTAAGACCGGC-3'